The following is an entry in ClinVar:

NM_000152.5(GAA):c.958_959delinsAG (p.Val320Arg)

Gene: GAA (alpha glucosidase; plus strand). Cytogenetic location: 17q25.3.
Variant type: Indel.
Coding change: c.958_959delinsAG on transcript NM_000152.5 (MANE Select); coding-DNA positions 958 to 959, GT replaced by AG.
Protein change: p.Val320Arg; replaces valine 320 with arginine.
Molecular consequence: missense variant.
Genome position (GRCh38, 1-based): chr17:80,108,292-80,108,293, GT replaced by AG. VCF-style: chr17-80108292-GT-AG. GRCh37 (hg19) VCF-style: chr17-78082091-GT-AG.
Other names: c.958_959delinsAG, p.Val320Arg (NM_001079803.3, NM_001079804.3); c.958_959delGTinsAG, p.Val320Arg (NM_001406741.1, NM_001406742.1); short protein forms V320R.
Identifiers: ClinVar variation 1716223 (VCV001716223.6), dbSNP rs2510361849, ClinGen allele CA2580095299.
Genomic context (GRCh38, chr17:80,108,292, plus strand): 5'-TGCAGAGCCCTCCAAGTGAAGAATCTGTCCCCCAACCCCAGAGCTGCTTCCCTTCCAGAT[GT>AG]GGTCCTGCAGCCGAGCCCTGCCCTTAGCTGGAGGTCGACAGGTGGGATCCTGGATGTCTA-3'
Protein context (NP_000143.2, residues 310-330): VFLLNSNAMD[Val320Arg]VLQPSPALSW

ClinVar aggregate classification (germline): Uncertain significance (1 of 4 stars; one submission).

Conditions:
Glycogen storage disease, type II (IOPD). Also called: Glycogen storage disease type 2; Acid maltase deficiency disease; Aglucosidase alfa; Deficiency of alpha-glucosidase; Deficiency of lysosomal alpha-glucosidase; Glucosidase acid-1,4-alpha deficiency. Identifiers: Orphanet 365, MedGen C0017921, MONDO:0009290, OMIM 232300.

Submission:

Labcorp Genetics (formerly Invitae), Labcorp
Classification: Uncertain significance for Glycogen storage disease, type II. Last evaluated: 2022-09-03. Review status: criteria provided, single submitter. Criteria: Invitae Variant Classification Sherloc (09022015). Collection method: clinical testing. Allele origin: germline.
Comment: This sequence change replaces valine, which is neutral and non-polar, with arginine, which is basic and polar, at codon 320 of the GAA protein (p.Val320Arg). In summary, the available evidence is currently insufficient to determine the role of this variant in disease. Therefore, it has been classified as a Variant of Uncertain Significance. Algorithms developed to predict the effect of missense changes on protein structure and function are either unavailable or do not agree on the potential impact of this missense change (SIFT: "Not Available"; PolyPhen-2: "Probably Damaging"; Align-GVGD: "Not Available"). This variant has not been reported in the literature in individuals affected with GAA-related conditions. Information on the frequency of this variant in the gnomAD database is not available, as this variant may be reported differently in the database.